The following is an entry in ClinVar:

ClinVar aggregate classification (germline): Likely benign (1 of 4 stars; one submission).

Allele frequency attached by ClinVar (database versions not stated): gnomAD exomes below 0.00001 and 0.00001; ExAC 0.00002; gnomAD 0.00005 and 0.00006; TOPMed 0.00005; ESP Exome Variant Server 0.00023.
gnomAD v4.1: 13 of 1,614,046 alleles (0.00081%); highest among the groups gnomAD compares: African/African-American, 0.0067%; no homozygotes.

Submission:

Laboratory for Molecular Medicine, Mass General Brigham Personalized Medicine
Classification: Likely benign. Last evaluated: 2012-04-30. Review status: criteria provided, single submitter. Criteria: LMM Criteria. Collection method: clinical testing. Allele origin: germline. Observed: 1 variant allele.
Comment: Thr815Thr in Exon 09 of TECTA: This variant is not expected to have clinical sig nificance because it does not alter an amino acid residue, is not located within the splice consensus sequence, and has been identified in 0.1% (3/3738) of Afri can American chromosomes from a broad population by the NHLBI Exome Sequencing P roject.

NM_005422.4(TECTA):c.2445G>A (p.Thr815=)

Genes: TBCEL-TECTA (TBCEL-TECTA readthrough; plus strand), TECTA (tectorin alpha; plus strand), LOC126861365 (P300/CBP strongly-dependent group 1 enhancer GRCh37_chr11:121000154-121001353; plus strand). Cytogenetic location: 11q23.3.
Variant type: single nucleotide variant.
Coding change: c.2445G>A on transcript NM_005422.4 (MANE Select); coding-DNA position 2445, G replaced by A.
Protein change: p.Thr815=; no amino-acid change (threonine 815 retained).
Molecular consequence: synonymous variant.
Genome position (GRCh38, 1-based): chr11:121,129,715, G>A. VCF-style: chr11-121129715-G-A. GRCh37 (hg19) VCF-style: chr11-121000424-G-A.
Other names: c.3402G>A, p.Thr1134= (NM_001378761.1).
Identifiers: ClinVar variation 227995 (VCV000227995.5), dbSNP rs369919747, ClinGen allele CA6326996.
Genomic context (GRCh38, chr11:121,129,715, plus strand): 5'-GGAATTGCCTTTTTTCCATCCTTCGGGGAAGCTGGAAATTTATCGAAACAAAAACAGTAC[G>A]ACAGTGGAGTCCAAGGGCGTGGTGACTGTCCAGTACTCAGACATAGGTCTATTGTACATC-3'
Protein context (NP_005413.2, residues 805-825): KLEIYRNKNS[Thr815=]TVESKGVVTV